The following is an entry in ClinVar:

NM_020911.2(PLXNA4):c.5363G>A (p.Arg1788Gln)

Gene: PLXNA4 (plexin A4; minus strand). Cytogenetic location: 7q32.3.
Variant type: single nucleotide variant.
Coding change: c.5363G>A on transcript NM_020911.2 (MANE Select); coding-DNA position 5363, G replaced by A.
Protein change: p.Arg1788Gln; replaces arginine 1788 with glutamine.
Molecular consequence: missense variant.
Genome position (GRCh38, 1-based): chr7:132,140,674, C>T on the plus strand (G>A on the coding strand, the complement: PLXNA4 is on the minus strand). VCF-style: chr7-132140674-C-T. GRCh37 (hg19) VCF-style: chr7-131825433-C-T.
Other names: c.5363G>A, p.Arg1788Gln (NM_001393897.1); short protein forms R1788Q.
Identifiers: ClinVar variation 3029697 (VCV003029697.2), dbSNP rs779684650, ClinGen allele CA4488935.

ClinVar aggregate classification (germline): Uncertain significance (0 of 4 stars; one submission).

Conditions:
PLXNA4-related disorder. Also called: PLXNA4-related condition.

Allele frequency attached by ClinVar (database versions not stated): gnomAD 0.00001; gnomAD exomes 0.00001; TOPMed 0.00001; ExAC 0.00002.
gnomAD v4.1: 14 of 1,613,968 alleles (0.00087%); highest among the groups gnomAD compares: East Asian, 0.0022%; no homozygotes.

Submission:

PreventionGenetics, part of Exact Sciences
Classification: Uncertain significance for PLXNA4-related condition. Last evaluated: 2023-12-15. Review status: no assertion criteria provided. Collection method: clinical testing. Allele origin: germline.
Comment: The PLXNA4 c.5363G>A variant is predicted to result in the amino acid substitution p.Arg1788Gln. To our knowledge, this variant has not been reported in the literature. This variant is reported in 0.0050% of alleles in individuals of East Asian descent in gnomAD. At this time, the clinical significance of this variant is uncertain due to the absence of conclusive functional and genetic evidence.